The following is an entry in ClinVar:

ClinVar aggregate classification (germline): Uncertain significance (1 of 4 stars; one submission).

Submission:

Labcorp Genetics (formerly Invitae), Labcorp
Classification: Uncertain significance. Last evaluated: 2022-08-03. Review status: criteria provided, single submitter. Criteria: Invitae Variant Classification Sherloc (09022015). Collection method: clinical testing. Allele origin: germline.
Comment: In summary, the available evidence is currently insufficient to determine the role of this variant in disease. Therefore, it has been classified as a Variant of Uncertain Significance. This variant has not been reported in the literature in individuals affected with MAGED2-related conditions. This variant is not present in population databases (gnomAD no frequency). This sequence change falls in intron 11 of the MAGED2 gene. It does not directly change the encoded amino acid sequence of the MAGED2 protein.

NM_177433.3(MAGED2):c.1387-20G>A

Gene: MAGED2 (MAGE family member D2; plus strand). Cytogenetic location: Xp11.21.
Variant type: single nucleotide variant.
Coding change: c.1387-20G>A on transcript NM_177433.3 (MANE Select); 20 bases into the intron before coding-DNA position 1387, G replaced by A.
Molecular consequence: intron variant.
Genome position (GRCh38, 1-based): chrX:54,815,228, G>A. VCF-style: chrX-54815228-G-A. GRCh37 (hg19) VCF-style: chrX-54841661-G-A.
Other names: c.1387-20G>A (NM_014599.6, NM_201222.3).
Identifiers: ClinVar variation 2021312 (VCV002021312.4), dbSNP rs775669639, ClinGen allele CA2580101256.